The following is an entry in ClinVar:

ClinVar aggregate classification (germline): Benign/Likely benign. Review status: criteria provided, multiple submitters, no conflicts (2 of 4 stars). 7 submissions from 7 submitters: Benign (1); Likely benign (5). 1 of the submissions does not count toward it. Last evaluated 2026-01-06.

Conditions:
Hereditary cancer-predisposing syndrome. Also called: Hereditary neoplastic syndrome; Neoplastic Syndromes, Hereditary; Tumor predisposition; Hereditary Cancer Syndrome. Identifiers: Orphanet 140162, MedGen C0027672, MeSH D009386, MONDO:0015356.
CHEK2-related disorder.
Familial cancer of breast. Also called: BREAST CANCER, FAMILIAL; Hereditary breast cancer; hereditary breast carcinoma. Identifiers: Orphanet 227535, MedGen C0346153, MONDO:0016419, OMIM 114480. Disease mechanism: loss of function.

Allele frequency attached by ClinVar (database versions not stated): gnomAD exomes below 0.00001 and 0.00001; ExAC 0.00001; gnomAD 0.00001; TOPMed 0.00001.
gnomAD v4.1: 8 of 1,613,768 alleles (0.0005%); highest among the groups gnomAD compares: East Asian, 0.0022%; no homozygotes.

Submissions (7):

Labcorp Genetics (formerly Invitae), Labcorp
Classification: Likely benign for Familial cancer of breast. Last evaluated: 2026-01-06. Review status: criteria provided, single submitter. Criteria: Invitae Variant Classification Sherloc (09022015). Collection method: clinical testing. Allele origin: germline.

Myriad Genetics, Inc.
Classification: Benign for Familial cancer of breast. Last evaluated: 2024-10-02. Review status: criteria provided, single submitter. Criteria: Myriad Autosomal Dominant, Autosomal Recessive and X-Linked Classification Criteria (2023). Collection method: clinical testing. Allele origin: unknown.
Comment: This variant is considered benign. This variant is a silent/synonymous amino acid change and it is not expected to impact splicing.

Sema4
Classification: Likely benign for Hereditary cancer-predisposing syndrome. Last evaluated: 2021-11-01. Review status: criteria provided, single submitter. Criteria: Sema4 Curation Guidelines. Collection method: curation. Allele origin: germline.

GeneDx
Classification: Likely benign. Last evaluated: 2018-07-16. Review status: criteria provided, single submitter. Criteria: GeneDx Variant Classification Process June 2021. Collection method: clinical testing. Allele origin: germline. Affected: yes.

Color Diagnostics, LLC DBA Color Health
Classification: Likely benign for Hereditary cancer-predisposing syndrome. Last evaluated: 2018-02-16. Review status: criteria provided, single submitter. Criteria: ACMG Guidelines, 2015. Collection method: clinical testing. Allele origin: germline.

Ambry Genetics
Classification: Likely benign for Hereditary cancer-predisposing syndrome. Last evaluated: 2015-04-23. Review status: criteria provided, single submitter. Criteria: Ambry Variant Classification Scheme 2023. Collection method: clinical testing. Allele origin: germline.

PreventionGenetics, part of Exact Sciences
Classification: Likely benign for CHEK2-related condition. Last evaluated: 2023-08-24. Review status: no assertion criteria provided. Collection method: clinical testing. Allele origin: germline. Not counted in ClinVar's aggregate classification.
Comment: This variant is classified as likely benign based on ACMG/AMP sequence variant interpretation guidelines (Richards et al. 2015 PMID: 25741868, with internal and published modifications).

NM_007194.4(CHEK2):c.288A>G (p.Leu96=)

Gene: CHEK2 (checkpoint kinase 2; minus strand). Cytogenetic location: 22q12.1.
Variant type: single nucleotide variant.
Coding change: c.288A>G on transcript NM_007194.4 (MANE Select); coding-DNA position 288, A replaced by G.
Protein change: p.Leu96=; no amino-acid change (leucine 96 retained).
Molecular consequence: synonymous variant.
Genome position (GRCh38, 1-based): chr22:28,734,434, T>C on the plus strand (A>G on the coding strand, the complement: CHEK2 is on the minus strand). VCF-style: chr22-28734434-T-C. GRCh37 (hg19) VCF-style: chr22-29130422-T-C.
Other names: c.288A>G, p.Leu96= (NM_001005735.3, NM_001349956.3, NM_145862.3); c.-490A>G (NM_001257387.3).
Identifiers: ClinVar variation 184676 (VCV000184676.23), dbSNP rs767758092, ClinGen allele CA189662.
Genomic context (GRCh38, chr22:28,734,434, plus strand): 5'-ACGTGATACTATACAACAAAGGGTCTTACCAAGATTGGCAAATCCATCCTGAAGGGCCCA[T>C]AATCGAGCCCAGGGGGCAGGGGTAGGCTCCTCAGGTTCTTGGTCCTCAGGTTCTTGGTCC-3'
Protein context (NP_009125.1, residues 86-106): EEPTPAPWAR[Leu96=]WALQDGFANL